The following is an entry in ClinVar:

ClinVar aggregate classification (germline): Uncertain significance (1 of 4 stars; one submission).

Submission:

GeneDx
Classification: Uncertain significance. Last evaluated: 2026-03-26. Review status: criteria provided, single submitter. Criteria: GeneDx Variant Classification Process June 2021. Collection method: clinical testing. Allele origin: germline.
Comment: Not observed at significant frequency in large population cohorts (gnomAD); In silico analysis supports that this missense variant has a deleterious effect on protein structure/function; Has not been previously published as pathogenic or benign to our knowledge

NM_001655.5(ARCN1):c.63T>A (p.Phe21Leu)

Gene: ARCN1 (archain 1 coat protein complex I subunit delta; plus strand). Cytogenetic location: 11q23.3.
Variant type: single nucleotide variant.
Coding change: c.63T>A on transcript NM_001655.5 (MANE Select); coding-DNA position 63, T replaced by A.
Protein change: p.Phe21Leu; replaces phenylalanine 21 with leucine.
Molecular consequence: missense variant. On other transcripts: 5 prime UTR variant (1), non-coding transcript variant (2), intron variant (3).
Genome position (GRCh38, 1-based): chr11:118,581,305, T>A. VCF-style: chr11-118581305-T-A. GRCh37 (hg19) VCF-style: chr11-118452020-T-A.
Other names: c.63T>A, p.Phe21Leu (NM_001425073.1, NM_001425074.1, NM_001425077.1 and 2 more transcripts); c.6T>A, p.Phe2Leu (NM_001425075.1); c.-7T>A (NM_001425076.1); c.4-1874T>A (NM_001142281.2, NM_001425081.1); c.4-2504T>A (NM_001425080.1); short protein forms F21L, F2L.
Identifiers: ClinVar variation 5017658 (VCV005017658.1).